The following is an entry in ClinVar:

ClinVar aggregate classification (germline): Uncertain significance (0 of 4 stars; one submission).

Conditions:
SH2B1-related disorder. Also called: SH2B1-related condition.

Submission:

PreventionGenetics, part of Exact Sciences
Classification: Uncertain significance for SH2B1-related condition. Last evaluated: 2024-04-18. Review status: no assertion criteria provided. Collection method: clinical testing. Allele origin: germline.
Comment: The SH2B1 c.646G>A variant is predicted to result in the amino acid substitution p.Asp216Asn. To our knowledge, this variant has not been reported in the literature or in a large population database, indicating this variant is rare. At this time, the clinical significance of this variant is uncertain due to the absence of conclusive functional and genetic evidence.

NM_001387430.1(SH2B1):c.646G>A (p.Asp216Asn)

Gene: SH2B1 (SH2B adaptor protein 1; plus strand). Cytogenetic location: 16p11.2.
Variant type: single nucleotide variant.
Coding change: c.646G>A on transcript NM_001387430.1 (MANE Select); coding-DNA position 646, G replaced by A.
Protein change: p.Asp216Asn; replaces aspartic acid 216 with asparagine.
Molecular consequence: missense variant. On other transcripts: intron variant (1).
Genome position (GRCh38, 1-based): chr16:28,866,740, G>A. VCF-style: chr16-28866740-G-A. GRCh37 (hg19) VCF-style: chr16-28878061-G-A.
Other names: c.646G>A, p.Asp216Asn (NM_001145795.2, NM_001145796.2, NM_001145797.2 and 4 more transcripts); c.-26-634G>A (NM_001308294.2); short protein forms D216N.
Identifiers: ClinVar variation 3345847 (VCV003345847.1).